The following is an entry in ClinVar:

ClinVar aggregate classification (germline): Uncertain significance (1 of 4 stars; one submission).

gnomAD v4.1: 1 of 1,085,844 alleles (0.000092%); highest among the groups gnomAD compares: Admixed American, 0.0045%; no homozygotes.

Submission:

Labcorp Genetics (formerly Invitae), Labcorp
Classification: Uncertain significance. Last evaluated: 2022-03-29. Review status: criteria provided, single submitter. Criteria: Invitae Variant Classification Sherloc (09022015). Collection method: clinical testing. Allele origin: germline.
Comment: This sequence change replaces arginine, which is basic and polar, with serine, which is neutral and polar, at codon 936 of the CACNA1B protein (p.Arg936Ser). This variant is not present in population databases (gnomAD no frequency). This variant has not been reported in the literature in individuals affected with CACNA1B-related conditions. Advanced modeling of protein sequence and biophysical properties (such as structural, functional, and spatial information, amino acid conservation, physicochemical variation, residue mobility, and thermodynamic stability) performed at Invitae indicates that this missense variant is not expected to disrupt CACNA1B protein function. In summary, the available evidence is currently insufficient to determine the role of this variant in disease. Therefore, it has been classified as a Variant of Uncertain Significance.

NM_000718.4(CACNA1B):c.2806C>A (p.Arg936Ser)

Gene: CACNA1B (calcium voltage-gated channel subunit alpha1 B; plus strand). Cytogenetic location: 9q34.3.
Variant type: single nucleotide variant.
Coding change: c.2806C>A on transcript NM_000718.4 (MANE Select); coding-DNA position 2806, C replaced by A.
Protein change: p.Arg936Ser; replaces arginine 936 with serine.
Molecular consequence: missense variant.
Genome position (GRCh38, 1-based): chr9:138,023,549, C>A. VCF-style: chr9-138023549-C-A. GRCh37 (hg19) VCF-style: chr9-140918001-C-A.
Other names: c.2806C>A, p.Arg936Ser (NM_001243812.2); short protein forms R936S.
Identifiers: ClinVar variation 2140224 (VCV002140224.1), dbSNP rs1194706835, ClinGen allele CA375810169.